The following is an entry in ClinVar:

NM_000081.4(LYST):c.2914A>T (p.Met972Leu)

Gene: LYST (lysosomal trafficking regulator; minus strand). Cytogenetic location: 1q42.3.
Variant type: single nucleotide variant.
Coding change: c.2914A>T on transcript NM_000081.4 (MANE Select); coding-DNA position 2914, A replaced by T.
Protein change: p.Met972Leu; replaces methionine 972 with leucine.
Molecular consequence: missense variant.
Genome position (GRCh38, 1-based): chr1:235,806,222, T>A on the plus strand (A>T on the coding strand, the complement: LYST is on the minus strand). VCF-style: chr1-235806222-T-A. GRCh37 (hg19) VCF-style: chr1-235969522-T-A.
Other names: c.2914A>T, p.Met972Leu (NM_001301365.1); short protein forms M972L.
Identifiers: ClinVar variation 3032929 (VCV003032929.2), dbSNP rs2527076900, ClinGen allele CA344954673.

ClinVar aggregate classification (germline): Uncertain significance (0 of 4 stars; one submission).

Conditions:
LYST-related disorder. Also called: LYST-related condition.

Submission:

PreventionGenetics, part of Exact Sciences
Classification: Uncertain significance for LYST-related condition. Last evaluated: 2023-10-26. Review status: no assertion criteria provided. Collection method: clinical testing. Allele origin: germline.
Comment: The LYST c.2914A>T variant is predicted to result in the amino acid substitution p.Met972Leu. To our knowledge, this variant has not been reported in the literature or in a large population database, indicating this variant is rare. At this time, the clinical significance of this variant is uncertain due to the absence of conclusive functional and genetic evidence.